The following is an entry in ClinVar:

NM_000383.4(AIRE):c.524T>C (p.Leu175Pro)

Gene: AIRE (autoimmune regulator; plus strand). Cytogenetic location: 21q22.3.
Variant type: single nucleotide variant.
Coding change: c.524T>C on transcript NM_000383.4 (MANE Select); coding-DNA position 524, T replaced by C.
Protein change: p.Leu175Pro; replaces leucine 175 with proline.
Molecular consequence: missense variant.
Genome position (GRCh38, 1-based): chr21:44,287,577, T>C. VCF-style: chr21-44287577-T-C. GRCh37 (hg19) VCF-style: chr21-45707460-T-C.
Other names: short protein forms L175P.
Identifiers: ClinVar variation 1348023 (VCV001348023.6), dbSNP rs972262344, ClinGen allele CA321787896.

ClinVar aggregate classification (germline): Uncertain significance (1 of 4 stars; one submission).

Conditions:
Polyglandular autoimmune syndrome, type 1 (APS1). Also called: Autoimmune polyendocrinopathy syndrome, type I; Autoimmune polyendocrinopathy syndrome , type I, with or without reversible metaphyseal dysplasia; PGA I; HYPOADRENOCORTICISM WITH HYPOPARATHYROIDISM AND SUPERFICIAL MONILIASIS; Autoimmune polyendocrine syndrome type 1; AUTOIMMUNE POLYENDOCRINE SYNDROME, TYPE I, WITH OR WITHOUT REVERSIBLE METAPHYSEAL DYSPLASIA. Identifiers: Orphanet 3453, MedGen C0085859, MONDO:0009411, OMIM 240300.

Allele frequency attached by ClinVar (database versions not stated): gnomAD exomes below 0.00001.
gnomAD v4.1: 2 of 1,557,064 alleles (0.00013%); highest among the groups gnomAD compares: African/African-American, 0.0014%; no homozygotes.

Submission:

Labcorp Genetics (formerly Invitae), Labcorp
Classification: Uncertain significance for Polyglandular autoimmune syndrome, type 1. Last evaluated: 2023-11-07. Review status: criteria provided, single submitter. Criteria: Invitae Variant Classification Sherloc (09022015). Collection method: clinical testing. Allele origin: germline.
Comment: This sequence change replaces leucine, which is neutral and non-polar, with proline, which is neutral and non-polar, at codon 175 of the AIRE protein (p.Leu175Pro). This variant is not present in population databases (gnomAD no frequency). This variant has not been reported in the literature in individuals affected with AIRE-related conditions. ClinVar contains an entry for this variant (Variation ID: 1348023). Algorithms developed to predict the effect of missense changes on protein structure and function output the following: SIFT: "Not Available"; PolyPhen-2: "Benign"; Align-GVGD: "Not Available". The proline amino acid residue is found in multiple mammalian species, which suggests that this missense change does not adversely affect protein function. In summary, the available evidence is currently insufficient to determine the role of this variant in disease. Therefore, it has been classified as a Variant of Uncertain Significance.